The following is an entry in ClinVar:

ClinVar aggregate classification (germline): Benign/Likely benign. Review status: criteria provided, multiple submitters, no conflicts (2 of 4 stars). 6 submissions from 6 submitters: Benign (2); Likely benign (2). 2 of the submissions do not count toward it. Last evaluated 2026-01-02.

Conditions:
RBBP8-related disorder. Also called: RBBP8-related condition; RBBP8-Related Disorders. Identifiers: MedGen CN239300.

Allele frequency attached by ClinVar (database versions not stated): gnomAD 0.00540 and 0.00595; ESP Exome Variant Server 0.00546; TOPMed 0.00573; 1000 Genomes Project 30x 0.01171; 1000 Genomes Project 0.01298.
gnomAD v4.1: 3,940 of 1,613,976 alleles (0.24%); highest among the groups gnomAD compares: South Asian, 2.5%; 62 homozygotes.

Submissions (6):

Labcorp Genetics (formerly Invitae), Labcorp
Classification: Benign. Last evaluated: 2026-01-02. Review status: criteria provided, single submitter. Criteria: Invitae Variant Classification Sherloc (09022015). Collection method: clinical testing. Allele origin: germline.

Center for Pediatric Genomic Medicine, Children's Mercy Hospital and Clinics
Classification: Likely benign. Last evaluated: 2016-10-11. Review status: criteria provided, single submitter. Criteria: ACMG Guidelines, 2015. Collection method: clinical testing. Allele origin: germline.
ClinVar note: Converted during submission from Likely Benign to Likely benign.

GeneDx
Classification: Benign. Last evaluated: 2015-03-03. Review status: criteria provided, single submitter. Criteria: GeneDx Variant Classification Process June 2021. Collection method: clinical testing. Allele origin: germline. Affected: yes.

Breakthrough Genomics
Classification: Likely benign. Review status: criteria provided, single submitter. Criteria: ACMG Guidelines, 2015. Collection method: not provided. Allele origin: germline. Inheritance: Autosomal recessive inheritance. Affected: yes.

PreventionGenetics, part of Exact Sciences
Classification: Likely benign for RBBP8-related condition. Last evaluated: 2019-04-16. Review status: no assertion criteria provided. Collection method: clinical testing. Allele origin: germline. Not counted in ClinVar's aggregate classification.
Comment: This variant is classified as likely benign based on ACMG/AMP sequence variant interpretation guidelines (Richards et al. 2015 PMID: 25741868, with internal and published modifications).

Genetic Services Laboratory, University of Chicago
Classification: Likely benign for AllHighlyPenetrant. Review status: no assertion criteria provided. Collection method: clinical testing. Allele origin: germline. Inheritance: Autosomal recessive inheritance. Not counted in ClinVar's aggregate classification.
Comment: Likely benign based on allele frequency in 1000 Genomes Project or ESP global frequency and its presence in a patient with a rare or unrelated disease phenotype. NOT Sanger confirmed.

NM_002894.3(RBBP8):c.1071A>C (p.Lys357Asn)

Gene: RBBP8 (RB binding protein 8, endonuclease; plus strand). Cytogenetic location: 18q11.2.
Variant type: single nucleotide variant.
Coding change: c.1071A>C on transcript NM_002894.3 (MANE Select); coding-DNA position 1071, A replaced by C.
Protein change: p.Lys357Asn; replaces lysine 357 with asparagine.
Molecular consequence: missense variant.
Genome position (GRCh38, 1-based): chr18:22,992,898, A>C. VCF-style: chr18-22992898-A-C. GRCh37 (hg19) VCF-style: chr18-20572861-A-C.
Other names: c.1071A>C, p.Lys357Asn (NM_203291.2, NM_203292.2); short protein forms K357N.
Identifiers: ClinVar variation 130102 (VCV000130102.22), dbSNP rs34678569, ClinGen allele CA154889.